The following is an entry in ClinVar:

NM_001130438.3(SPTAN1):c.1258G>A (p.Ala420Thr)

Gene: SPTAN1 (spectrin alpha, non-erythrocytic 1; plus strand). Cytogenetic location: 9q34.11.
Variant type: single nucleotide variant.
Coding change: c.1258G>A on transcript NM_001130438.3 (MANE Select); coding-DNA position 1258, G replaced by A.
Protein change: p.Ala420Thr; replaces alanine 420 with threonine.
Molecular consequence: missense variant.
Genome position (GRCh38, 1-based): chr9:128,579,673, G>A. VCF-style: chr9-128579673-G-A. GRCh37 (hg19) VCF-style: chr9-131341952-G-A.
Other names: c.1258G>A, p.Ala420Thr (NM_001195532.2, NM_001363759.2, NM_001363765.2 and 5 more transcripts); c.1294G>A, p.Ala432Thr (NM_001375312.2, NM_001375318.1); short protein forms A420T, A432T.
Identifiers: ClinVar variation 1000983 (VCV001000983.9), dbSNP rs142410041, ClinGen allele CA200376453.

ClinVar aggregate classification (germline): Uncertain significance (1 of 4 stars; one submission).

Conditions:
Early-infantile DEE. Also called: Early infantile epileptic encephalopathy with suppression bursts; Ohtahara syndrome; Early infantile epileptic encephalopathy. Identifiers: Orphanet 1934, MedGen C0393706, MONDO:0800491.

Allele frequency attached by ClinVar (database versions not stated): gnomAD exomes below 0.00001; TOPMed below 0.00001; gnomAD 0.00001; ESP Exome Variant Server 0.00008.
gnomAD v4.1: 2 of 1,613,968 alleles (0.00012%); highest among the groups gnomAD compares: Non-Finnish European, 0.00017%; no homozygotes.

Submission:

Labcorp Genetics (formerly Invitae), Labcorp
Classification: Uncertain significance for Early-infantile DEE. Last evaluated: 2020-12-18. Review status: criteria provided, single submitter. Criteria: Invitae Variant Classification Sherloc (09022015). Collection method: clinical testing. Allele origin: germline.
Comment: In summary, the available evidence is currently insufficient to determine the role of this variant in disease. Therefore, it has been classified as a Variant of Uncertain Significance. Algorithms developed to predict the effect of missense changes on protein structure and function (SIFT, PolyPhen-2, Align-GVGD) all suggest that this variant is likely to be tolerated, but these predictions have not been confirmed by published functional studies and their clinical significance is uncertain. This variant has not been reported in the literature in individuals with SPTAN1-related conditions. This variant is not present in population databases (ExAC no frequency). This sequence change replaces alanine with threonine at codon 420 of the SPTAN1 protein (p.Ala420Thr). The alanine residue is moderately conserved and there is a small physicochemical difference between alanine and threonine.